The following is an entry in ClinVar:

ClinVar aggregate classification (germline): Uncertain significance (1 of 4 stars; one submission).

Allele frequency attached by ClinVar (database versions not stated): gnomAD exomes below 0.00001; ExAC 0.00001.
gnomAD v4.1: 1 of 1,612,362 alleles (0.000062%); highest among the groups gnomAD compares: South Asian, 0.0011%; no homozygotes.

Submission:

Labcorp Genetics (formerly Invitae), Labcorp
Classification: Uncertain significance. Last evaluated: 2022-08-16. Review status: criteria provided, single submitter. Criteria: Invitae Variant Classification Sherloc (09022015). Collection method: clinical testing. Allele origin: germline.
Comment: In summary, the available evidence is currently insufficient to determine the role of this variant in disease. Therefore, it has been classified as a Variant of Uncertain Significance. Algorithms developed to predict the effect of missense changes on protein structure and function are either unavailable or do not agree on the potential impact of this missense change (SIFT: "Not Available"; PolyPhen-2: "Probably Damaging"; Align-GVGD: "Not Available"). This variant is present in population databases (rs761860296, gnomAD 0.003%). This sequence change replaces histidine with arginine at codon 1007 of the NUP160 protein (p.His1007Arg). The histidine residue is moderately conserved and there is a small physicochemical difference between histidine and arginine. ClinVar contains an entry for this variant (Variation ID: 1367562). This variant has not been reported in the literature in individuals affected with NUP160-related conditions.

NM_015231.3(NUP160):c.2918A>G (p.His973Arg)

Gene: NUP160 (nucleoporin 160; minus strand). Cytogenetic location: 11p11.2.
Variant type: single nucleotide variant.
Coding change: c.2918A>G on transcript NM_015231.3 (MANE Select); coding-DNA position 2918, A replaced by G.
Protein change: p.His973Arg; replaces histidine 973 with arginine.
Molecular consequence: missense variant. On other transcripts: non-coding transcript variant (1).
Genome position (GRCh38, 1-based): chr11:47,798,234, T>C on the plus strand (A>G on the coding strand, the complement: NUP160 is on the minus strand). VCF-style: chr11-47798234-T-C. GRCh37 (hg19) VCF-style: chr11-47819786-T-C.
Other names: short protein forms H973R.
Identifiers: ClinVar variation 1367562 (VCV001367562.8), dbSNP rs761860296, ClinGen allele CA5980821.